The following is an entry in ClinVar:

ClinVar aggregate classification (germline): Uncertain significance (0 of 4 stars; one submission).

Conditions:
TAF1-related disorder. Also called: TAF1-related condition.

Submission:

PreventionGenetics, part of Exact Sciences
Classification: Uncertain significance for TAF1-related condition. Last evaluated: 2023-10-25. Review status: no assertion criteria provided. Collection method: clinical testing. Allele origin: germline.
Comment: The TAF1 c.4927A>G variant is predicted to result in the amino acid substitution p.Lys1643Glu. To our knowledge, this variant has not been reported in the literature or in a large population database, indicating this variant is rare. At this time, the clinical significance of this variant is uncertain due to the absence of conclusive functional and genetic evidence.

NM_004606.5(TAF1):c.4867A>G (p.Lys1623Glu)

Gene: TAF1 (TATA-box binding protein associated factor 1; plus strand). Cytogenetic location: Xq13.1.
Variant type: single nucleotide variant.
Coding change: c.4867A>G on transcript NM_004606.5 (MANE Select); coding-DNA position 4867, A replaced by G.
Protein change: p.Lys1623Glu; replaces lysine 1623 with glutamic acid.
Molecular consequence: missense variant. On other transcripts: non-coding transcript variant (9).
Genome position (GRCh38, 1-based): chrX:71,454,786, A>G. VCF-style: chrX-71454786-A-G. GRCh37 (hg19) VCF-style: chrX-70674636-A-G.
Other names: c.4867A>G, p.Lys1623Glu (NM_001286074.2); c.4804A>G, p.Lys1602Glu (NM_138923.4); short protein forms K1602E, K1623E.
Identifiers: ClinVar variation 3033644 (VCV003033644.2), dbSNP rs2522346069, ClinGen allele CA413524340.